The following is an entry in ClinVar:

NM_020433.5(JPH2):c.862dup (p.Thr288fs)

Gene: JPH2 (junctophilin 2; minus strand). Cytogenetic location: 20q13.12.
Variant type: Duplication.
Coding change: c.862dup on transcript NM_020433.5 (MANE Select); coding-DNA position 862, one base duplicated (A; older notation c.862dupA).
Protein change: p.Thr288fs; shifts the reading frame from threonine 288.
Molecular consequence: frameshift variant.
Genome position (GRCh38, 1-based): chr20:44,159,925, T duplicated on the plus strand (A on the coding strand, the reverse complement: JPH2 is on the minus strand). VCF-style (leftmost placement, unchanged base first): chr20-44159924-G-GT. GRCh37 (hg19) VCF-style: chr20-42788564-G-GT.
Other names: c.862dupA (NM_020433.4); short protein forms T288fs.
Identifiers: ClinVar variation 4858563 (VCV004858563.1).
Genomic context (GRCh38, chr20:44,159,924, plus strand): 5'-CGTTCGCTCACGCCGAAGCCCGAGCGTTTGTCGTTCTTCCACTCGCCCATGTAGGTCTCG[G>GT]TGGTGGTGGCGTCGATATCGGCCTCGAAGGGTGCGGCCTCGTCGGCGCCCTCGGCGGCCT-3'

ClinVar aggregate classification (germline): Uncertain significance (1 of 4 stars; one submission).

Conditions:
Cardiovascular phenotype. Identifiers: MedGen CN230736.

Submission:

Ambry Genetics
Classification: Uncertain significance for Cardiovascular phenotype. Last evaluated: 2026-03-17. Review status: criteria provided, single submitter. Criteria: Ambry Variant Classification Scheme 2023. Collection method: clinical testing. Allele origin: germline.
Comment: The c.862dupA variant, located in coding exon 2 of the JPH2 gene, results from a duplication of A at nucleotide position 862, causing a translational frameshift with a predicted alternate stop codon (p.T288Nfs*112). This alteration is expected to result in loss of function by premature protein truncation or nonsense-mediated mRNA decay. Although biallelic loss of function of JPH2 has been associated with autosomal recessive dilated cardiomyopathy, haploinsufficiency of JPH2 has not been established as a mechanism of disease for autosomal dominant hypertrophic cardiomyopathy. Based on the supporting evidence, this variant is expected to be causative of autosomal recessive dilated cardiomyopathy when present along with a second pathogenic variant on the other allele; however, its clinical significance for autosomal dominant hypertrophic cardiomyopathy is unclear.